The following is an entry in ClinVar:

NM_001478.5(B4GALNT1):c.1349G>A (p.Gly450Asp)

Gene: B4GALNT1 (beta-1,4-N-acetyl-galactosaminyltransferase 1; minus strand). Cytogenetic location: 12q13.3.
Variant type: single nucleotide variant.
Coding change: c.1349G>A on transcript NM_001478.5 (MANE Select); coding-DNA position 1349, G replaced by A.
Protein change: p.Gly450Asp; replaces glycine 450 with aspartic acid.
Molecular consequence: missense variant.
Genome position (GRCh38, 1-based): chr12:57,627,653, C>T on the plus strand (G>A on the coding strand, the complement: B4GALNT1 is on the minus strand). VCF-style: chr12-57627653-C-T. GRCh37 (hg19) VCF-style: chr12-58021436-C-T.
Other names: c.1184G>A, p.Gly395Asp (NM_001276468.2); short protein forms G395D, G450D.
Identifiers: ClinVar variation 1308411 (VCV001308411.2), dbSNP rs1395435962, ClinGen allele CA385493892.

ClinVar aggregate classification (germline): Uncertain significance (1 of 4 stars; one submission).

Allele frequency attached by ClinVar (database versions not stated): gnomAD exomes below 0.00001.
gnomAD v4.1: 2 of 1,603,190 alleles (0.00012%); highest among the groups gnomAD compares: Non-Finnish European, 0.00017%; no homozygotes.

Submission:

GeneDx
Classification: Uncertain significance. Last evaluated: 2019-03-28. Review status: criteria provided, single submitter. Criteria: GeneDx Variant Classification Process June 2021. Collection method: clinical testing. Allele origin: germline. Affected: yes.
Comment: Not observed at a significant frequency in large population cohorts (Lek et al., 2016); In silico analysis, which includes protein predictors and evolutionary conservation, supports a deleterious effect; Has not been previously published as pathogenic or benign to our knowledge